The following is an entry in ClinVar:

NM_181458.4(PAX3):c.492del (p.Gly165fs)

Gene: PAX3 (paired box 3; minus strand). Cytogenetic location: 2q36.1.
Variant type: Deletion.
Coding change: c.492del on transcript NM_181458.4 (MANE Select); coding-DNA position 492, one base deleted (A; older notation c.492delA).
Protein change: p.Gly165fs; shifts the reading frame from glycine 165.
Molecular consequence: frameshift variant.
Genome position (GRCh38, 1-based): chr2:222,294,261, T deleted on the plus strand (A on the coding strand, the reverse complement: PAX3 is on the minus strand); the first of 3 consecutive T bases (chr2:222,294,261-222,294,263); deleting any one gives the same sequence. VCF-style (leftmost placement, unchanged base first): chr2-222294260-CT-C. GRCh37 (hg19) VCF-style: chr2-223158979-CT-C.
Other names: c.492del, p.Gly165fs (NM_000438.6, NM_013942.5, NM_181457.4 and 3 more transcripts); c.489del, p.Gly164fs (NM_001127366.3); short protein forms G164fs, G165fs.
Identifiers: ClinVar variation 2121465 (VCV002121465.4), dbSNP rs2469471838, ClinGen allele CA2580065787.

ClinVar aggregate classification (germline): Pathogenic (1 of 4 stars; one submission).

Submission:

Labcorp Genetics (formerly Invitae), Labcorp
Classification: Pathogenic. Last evaluated: 2022-04-16. Review status: criteria provided, single submitter. Criteria: Invitae Variant Classification Sherloc (09022015). Collection method: clinical testing. Allele origin: germline.
Comment: For these reasons, this variant has been classified as Pathogenic. This variant has not been reported in the literature in individuals affected with PAX3-related conditions. This variant is not present in population databases (gnomAD no frequency). This sequence change creates a premature translational stop signal (p.Gly165Valfs*28) in the PAX3 gene. It is expected to result in an absent or disrupted protein product. Loss-of-function variants in PAX3 are known to be pathogenic (PMID: 20127975, 23512835).

Literature cited by the submitters: PubMed 20127975; PubMed 23512835.